The following is an entry in ClinVar:

NM_012275.3(IL36RN):c.273del (p.Ala92fs)

Gene: IL36RN (interleukin 36 receptor antagonist; plus strand). Cytogenetic location: 2q14.1.
Variant type: Deletion.
Coding change: c.273del on transcript NM_012275.3 (MANE Select); coding-DNA position 273, one base deleted (T; older notation c.273delT).
Protein change: p.Ala92fs; shifts the reading frame from alanine 92.
Molecular consequence: frameshift variant.
Genome position (GRCh38, 1-based): chr2:113,062,482, T deleted. VCF-style (leftmost placement, unchanged base first): chr2-113062481-GT-G. GRCh37 (hg19) VCF-style: chr2-113820058-GT-G.
Other names: c.273del, p.Ala92fs (NM_173170.1); short protein forms A92fs.
Identifiers: ClinVar variation 3725838 (VCV003725838.2).

ClinVar aggregate classification (germline): Pathogenic (1 of 4 stars; one submission).

Conditions:
Generalized pustular psoriasis. Identifiers: Orphanet 247353, MedGen C0343055, MONDO:0100491.

Submission:

Labcorp Genetics (formerly Invitae), Labcorp
Classification: Pathogenic for Generalized pustular psoriasis. Last evaluated: 2024-11-22. Review status: criteria provided, single submitter. Criteria: Invitae Variant Classification Sherloc (09022015). Collection method: clinical testing. Allele origin: germline.
Comment: This sequence change results in a frameshift in the IL36RN gene (p.Ala92Profs*80). While this is not anticipated to result in nonsense mediated decay, it is expected to disrupt the last 64 amino acid(s) of the IL36RN protein and extend the protein by 15 additional amino acid residues. This variant is not present in population databases (gnomAD no frequency). This variant has not been reported in the literature in individuals affected with IL36RN-related conditions. This variant results in an extension of the IL36RN protein. Other variant(s) that result in a similarly extended protein product (p.Gly141Metfs*29) have been determined to be pathogenic (PMID: 25458002, 27220475). This suggests that these extensions are likely to be disease-causing. For these reasons, this variant has been classified as Pathogenic.

Literature cited by the submitters: PubMed 25458002; PubMed 27220475.